The following is an entry in ClinVar:

NM_000092.5(COL4A4):c.2224G>C (p.Gly742Arg)

Gene: COL4A4 (collagen type IV alpha 4 chain; minus strand). Cytogenetic location: 2q36.3.
Variant type: single nucleotide variant.
Coding change: c.2224G>C on transcript NM_000092.5 (MANE Select); coding-DNA position 2224, G replaced by C.
Protein change: p.Gly742Arg; replaces glycine 742 with arginine.
Molecular consequence: missense variant.
Genome position (GRCh38, 1-based): chr2:227,059,564, C>G on the plus strand (G>C on the coding strand, the complement: COL4A4 is on the minus strand). VCF-style: chr2-227059564-C-G. GRCh37 (hg19) VCF-style: chr2-227924280-C-G.
Other names: short protein forms G742R.
Identifiers: ClinVar variation 3383247 (VCV003383247.1).
Genomic context (GRCh38, chr2:227,059,564, plus strand): 5'-GGTCTCCCGGGATTCCTTTCTGACCATTCACTCCTGGTGAGCCGGGAGGGCCTGGGGGCC[C>G]AACAGGGGAGGACCCCTTTTCACCTCCAAAACCCGGATCTCCCATGTCACCACGAAAACC-3'
Protein context (NP_000083.3, residues 732-752): FGGEKGSSPV[Gly742Arg]PPGPPGSPGV

ClinVar aggregate classification (germline): Likely pathogenic (1 of 4 stars; one submission).

Conditions:
Autosomal recessive Alport syndrome (ATS2). Also called: Alport syndrome type 2; ALPORT SYNDROME 2, AUTOSOMAL RECESSIVE; COL4A4 Alport Syndrome and Thin Basement Membrane Nephropathy; COL4A3-Related Nephropathy. Identifiers: Orphanet 63, Orphanet 88919, MedGen C4746745, MONDO:0008762, OMIM 203780.

Submission:

MVZ Medizinische Genetik Mainz
Classification: Likely pathogenic for Autosomal recessive Alport syndrome. Last evaluated: 2024-10-22. Review status: criteria provided, single submitter. Criteria: UK Practice Guidelines For Variant Classification V4 01 2020. Collection method: clinical testing. Allele origin: germline. Inheritance: Autosomal dominant inheritance. Affected: yes. Observed: 1 variant allele.
Comment: ACMG Criteria: PM1_STR,PM2_SUP,PP3,PP4